The following is an entry in ClinVar:

ClinVar aggregate classification (germline): Uncertain significance. Review status: criteria provided, multiple submitters, no conflicts (2 of 4 stars). 2 submissions from 2 submitters: Uncertain significance (2). Last evaluated 2025-03-03.

Conditions:
Hereditary cancer-predisposing syndrome. Also called: Neoplastic Syndromes, Hereditary; Tumor predisposition; Hereditary Cancer Syndrome; Hereditary neoplastic syndrome. Identifiers: Orphanet 140162, MedGen C0027672, MeSH D009386, MONDO:0015356.

Submissions (2):

GeneDx
Classification: Uncertain significance. Last evaluated: 2025-03-03. Review status: criteria provided, single submitter. Criteria: GeneDx Variant Classification Process June 2021. Collection method: clinical testing. Allele origin: germline. Affected: yes.
Comment: Not observed at significant frequency in large population cohorts (gnomAD); In silico analysis supports that this missense variant has a deleterious effect on protein structure/function; Has not been previously published as pathogenic or benign to our knowledge; This variant is associated with the following publications: (PMID: 22799562, 23433720, 10881198)

Ambry Genetics
Classification: Uncertain significance for Hereditary cancer-predisposing syndrome. Last evaluated: 2021-09-24. Review status: criteria provided, single submitter. Criteria: Ambry Variant Classification Scheme 2023. Collection method: clinical testing. Allele origin: germline.
Comment: The p.P68A variant (also known as c.202C>G), located in coding exon 2 of the BMPR1A gene, results from a C to G substitution at nucleotide position 202. The proline at codon 68 is replaced by alanine, an amino acid with highly similar properties. This amino acid position is highly conserved in available vertebrate species. In addition, this alteration is predicted to be deleterious by in silico analysis. Since supporting evidence is limited at this time, the clinical significance of this alteration remains unclear.

NM_004329.3(BMPR1A):c.202C>G (p.Pro68Ala)

Gene: BMPR1A (bone morphogenetic protein receptor type 1A; plus strand). Cytogenetic location: 10q23.2.
Variant type: single nucleotide variant.
Coding change: c.202C>G on transcript NM_004329.3 (MANE Select); coding-DNA position 202, C replaced by G.
Protein change: p.Pro68Ala; replaces proline 68 with alanine.
Molecular consequence: missense variant.
Genome position (GRCh38, 1-based): chr10:86,890,196, C>G. VCF-style: chr10-86890196-C-G. GRCh37 (hg19) VCF-style: chr10-88649953-C-G.
Other names: c.202C>G, p.Pro68Ala (NM_001406559.1, NM_001406560.1, NM_001406561.1 and 23 more transcripts); c.118C>G, p.Pro40Ala (NM_001406584.1, NM_001406585.1, NM_001406586.1 and 2 more transcripts); short protein forms P40A, P68A.
Identifiers: ClinVar variation 1784730 (VCV001784730.3), dbSNP rs1589763452, ClinGen allele CA377447117.